The following is an entry in ClinVar:

ClinVar aggregate classification (germline): Uncertain significance (1 of 4 stars; one submission).

Conditions:
Hereditary pancreatitis (PCTT). Also called: Hereditary chronic pancreatitis; PRSS1-Related Hereditary Pancreatitis. Identifiers: Orphanet 676, MedGen C0238339, MONDO:0008185, OMIM 167800.

Allele frequency attached by ClinVar (database versions not stated): gnomAD exomes below 0.00001; TOPMed below 0.00001.
gnomAD v4.1: 7 of 1,614,046 alleles (0.00043%); highest among the groups gnomAD compares: Non-Finnish European, 0.00059%; no homozygotes.

Submission:

Ambry Genetics
Classification: Uncertain significance for Hereditary pancreatitis. Last evaluated: 2025-01-24. Review status: criteria provided, single submitter. Criteria: Ambry Variant Classification Scheme 2023. Collection method: clinical testing. Allele origin: germline.
Comment: The p.P97S variant (also known as c.289C>T), located in coding exon 3 of the PRSS1 gene, results from a C to T substitution at nucleotide position 289. The proline at codon 97 is replaced by serine, an amino acid with similar properties. This amino acid position is conserved. In addition, this alteration is predicted to be deleterious by in silico analysis. Since supporting evidence is limited at this time, the clinical significance of this alteration remains unclear.

NM_002769.5(PRSS1):c.289C>T (p.Pro97Ser)

Genes: PRSS1 (serine protease 1; plus strand), TRB (T cell receptor beta locus; plus strand). Cytogenetic location: 7q34.
Variant type: single nucleotide variant.
Coding change: c.289C>T on transcript NM_002769.5 (MANE Select); coding-DNA position 289, C replaced by T.
Protein change: p.Pro97Ser; replaces proline 97 with serine.
Molecular consequence: missense variant. On other transcripts: non-coding transcript variant (4).
Genome position (GRCh38, 1-based): chr7:142,751,862, C>T. VCF-style: chr7-142751862-C-T. GRCh37 (hg19) VCF-style: chr7-142459713-C-T.
Other names: short protein forms P97S.
Identifiers: ClinVar variation 1797388 (VCV001797388.3), dbSNP rs1297813457, ClinGen allele CA369608676.